The following is an entry in ClinVar:

NM_006790.3(MYOT):c.634-1_634delinsAA

Genes: PKD2L2-DT (PKD2L2 divergent transcript; minus strand), MYOT (myotilin; plus strand). Cytogenetic location: 5q31.2.
Variant type: Indel.
Coding change: c.634-1_634delinsAA on transcript NM_006790.3 (MANE Select); the canonical splice acceptor site of the intron before coding-DNA position 634 through coding-DNA position 634, GC replaced by AA.
Molecular consequence: splice acceptor variant.
Genome position (GRCh38, 1-based): chr5:137,880,815-137,880,816, GC replaced by AA. VCF-style: chr5-137880815-GC-AA. GRCh37 (hg19) VCF-style: chr5-137216504-GC-AA.
Other names: c.289-1_289delinsAA (NM_001300911.2); c.82-1_82delinsAA (NM_001135940.2).
Identifiers: ClinVar variation 4765681 (VCV004765681.1).

ClinVar aggregate classification (germline): Uncertain significance (1 of 4 stars; one submission).

Conditions:
Myofibrillar myopathy 3 (MFM3). Also called: Autosomal dominant spheroid body myopathy; Muscular dystrophy, proximal, type 1A. Identifiers: Orphanet 266, Orphanet 268129, MedGen C3714934, MONDO:0012215, OMIM 609200.

Submission:

Labcorp Genetics (formerly Invitae), Labcorp
Classification: Uncertain significance for Myofibrillar myopathy 3. Last evaluated: 2025-10-01. Review status: criteria provided, single submitter. Criteria: Invitae Variant Classification Sherloc (09022015). Collection method: clinical testing. Allele origin: germline.
Comment: This variant results in the deletion of part of exon 5 (c.634-1_634delinsAA) of the MYOT gene. It is expected to disrupt RNA splicing. Variants that disrupt the donor or acceptor splice site typically lead to a loss of protein function (PMID: 16199547), however the current clinical and genetic evidence is not sufficient to establish whether loss-of-function variants in MYOT cause disease. Information on the frequency of this variant in the gnomAD database is not available, as this variant may be reported differently in the database. This variant has not been reported in the literature in individuals affected with MYOT-related conditions. In summary, the available evidence is currently insufficient to determine the role of this variant in disease. Therefore, it has been classified as a Variant of Uncertain Significance.

Literature cited by the submitters: PubMed 16199547.